The following is an entry in ClinVar:

ClinVar aggregate classification (germline): Conflicting classifications of pathogenicity. Review status: criteria provided, conflicting classifications (1 of 4 stars). 3 submissions from 3 submitters: Likely pathogenic (2); Uncertain significance (1). Last evaluated 2024-02-27.

Conditions:
Autosomal dominant Alport syndrome (ATS3A). Also called: ALPORT SYNDROME 3A, AUTOSOMAL DOMINANT; Alport syndrome dominant type; Renal failure and sensorineural hearing loss. Identifiers: Orphanet 63, Orphanet 88918, MedGen C5882663, MONDO:0007086, OMIM 104200.
Hematuria, benign familial, 2 (BFH2). Identifiers: MedGen C5830421, MONDO:0958186, OMIM 620320.
Alport syndrome 3b, autosomal recessive. Identifiers: MedGen C5882699, MONDO:0957811, OMIM 620536.
Alport syndrome. Also called: Hemorrhagic familial nephritis; Hemorrhagic hereditary nephritis; Congenital hereditary hematuria. Identifiers: Orphanet 63, MedGen C1567741, MONDO:0018965.

Allele frequency attached by ClinVar (database versions not stated): gnomAD exomes below 0.00001.
gnomAD v4.1: 3 of 1,613,240 alleles (0.00019%); highest among the groups gnomAD compares: East Asian, 0.0022%; no homozygotes.

Submissions (3):

Natera, Inc.
Classification: Likely pathogenic for Alport syndrome. Last evaluated: 2024-02-27. Review status: criteria provided, single submitter. Criteria: Natera Variant Classification Schema (03/2026). Collection method: clinical testing. Allele origin: germline.
Comment: The c.4928G>A variant in COL4A3 is a missense variant predicted to cause substitution of arginine to lysine at amino acid 1643. This variant is rare in the general population with a frequency below the threshold expected for the associated phenotype(s). This variant has been observed in one or more individuals affected with the associated recessive disease, as either homozygous or compound heterozygous with a second variant (PMID: 35369551). Computational prediction algorithms indicate this variant is likely to affect gene or protein function. Given the available evidence, this variant is classified as Likely Pathogenic.

Fulgent Genetics
Classification: Likely pathogenic for Autosomal dominant Alport syndrome; Hematuria, benign familial, 2; Alport syndrome 3b, autosomal recessive. Last evaluated: 2024-01-03. Review status: criteria provided, single submitter. Criteria: ACMG Guidelines, 2015. Collection method: clinical testing. Allele origin: germline.

GeneDx
Classification: Uncertain significance. Last evaluated: 2019-11-27. Review status: criteria provided, single submitter. Criteria: GeneDx Variant Classification Process June 2021. Collection method: clinical testing. Allele origin: germline. Affected: yes.
Comment: Observed in the heterozygous state in published literature in a patient with early onset hearing loss, but additional clinical information was not provided (Miyagawa et al., 2013); Not observed in large population cohorts (Lek et al., 2016); In silico analysis supports that this missense variant does not alter protein structure/function; This variant is associated with the following publications: (PMID: 24633401, 23967202)

Literature cited by the submitters: PubMed 35369551 (cited by Natera, Inc.).

NM_000091.5(COL4A3):c.4928G>A (p.Arg1643Lys)

Genes: COL4A3 (collagen type IV alpha 3 chain; plus strand), MFF-DT (MFF divergent transcript; minus strand). Cytogenetic location: 2q36.3.
Variant type: single nucleotide variant.
Coding change: c.4928G>A on transcript NM_000091.5 (MANE Select); coding-DNA position 4928, G replaced by A.
Protein change: p.Arg1643Lys; replaces arginine 1643 with lysine.
Molecular consequence: missense variant.
Genome position (GRCh38, 1-based): chr2:227,310,948, G>A. VCF-style: chr2-227310948-G-A. GRCh37 (hg19) VCF-style: chr2-228175664-G-A.
Other names: short protein forms R1643K.
Identifiers: ClinVar variation 1303173 (VCV001303173.4), dbSNP rs2106295155, ClinGen allele CA350866687.